The following is an entry in ClinVar:

ClinVar aggregate classification (germline): Uncertain significance (1 of 4 stars; one submission).

Conditions:
SEMA3G-related disorder. Also called: SEMA3G-related condition.

gnomAD v4.1: 26 of 1,613,418 alleles (0.0016%); highest among the groups gnomAD compares: Non-Finnish European, 0.002%; no homozygotes.

Submission:

PreventionGenetics, part of Exact Sciences
Classification: Uncertain significance for SEMA3G-related condition. Last evaluated: 2025-10-01. Review status: criteria provided, single submitter. Criteria: ACMG Guidelines, 2015. Collection method: clinical testing. Allele origin: germline.
Comment: The SEMA3G c.1249C>T variant is predicted to result in the amino acid substitution p.Pro417Ser. To our knowledge, this variant has not been reported in the literature. This variant is reported in 0.0039% of alleles in individuals of European (Non-Finnish) descent in gnomAD. At this time, the clinical significance of this variant is uncertain due to the absence of conclusive functional and genetic evidence.

NM_020163.3(SEMA3G):c.1249C>T (p.Pro417Ser)

Gene: SEMA3G (semaphorin 3G; minus strand). Cytogenetic location: 3p21.1.
Variant type: single nucleotide variant.
Coding change: c.1249C>T on transcript NM_020163.3 (MANE Select); coding-DNA position 1249, C replaced by T.
Protein change: p.Pro417Ser; replaces proline 417 with serine.
Molecular consequence: missense variant.
Genome position (GRCh38, 1-based): chr3:52,439,993, G>A on the plus strand (C>T on the coding strand, the complement: SEMA3G is on the minus strand). VCF-style: chr3-52439993-G-A. GRCh37 (hg19) VCF-style: chr3-52474009-G-A.
Other names: short protein forms P417S.
Identifiers: ClinVar variation 4981491 (VCV004981491.1).